The following is an entry in ClinVar:

ClinVar aggregate classification (germline): Uncertain significance (1 of 4 stars; one submission).

gnomAD v4.1: 5 of 1,613,560 alleles (0.00031%); highest among the groups gnomAD compares: Non-Finnish European, 0.00042%; no homozygotes.

Submission:

GeneDx
Classification: Uncertain significance. Last evaluated: 2025-02-20. Review status: criteria provided, single submitter. Criteria: GeneDx Variant Classification Process June 2021. Collection method: clinical testing. Allele origin: germline. Affected: yes.
Comment: Not observed at significant frequency in large population cohorts (gnomAD); In silico analysis supports that this missense variant has a deleterious effect on protein structure/function; Has not been previously published as pathogenic or benign to our knowledge

NM_001393769.1(MED12L):c.1227G>C (p.Met409Ile)

Gene: MED12L (mediator complex subunit 12L; plus strand). Cytogenetic location: 3q25.1.
Variant type: single nucleotide variant.
Coding change: c.1227G>C on transcript NM_001393769.1 (MANE Select); coding-DNA position 1227, G replaced by C.
Protein change: p.Met409Ile; replaces methionine 409 with isoleucine.
Molecular consequence: missense variant.
Genome position (GRCh38, 1-based): chr3:151,164,012, G>C. VCF-style: chr3-151164012-G-C. GRCh37 (hg19) VCF-style: chr3-150881799-G-C.
Other names: c.1227G>C, p.Met409Ile (NM_053002.6); short protein forms M409I.
Identifiers: ClinVar variation 4076846 (VCV004076846.1).